The following is an entry in ClinVar:

NM_018474.6(KIZ):c.555C>G (p.Asn185Lys)

Gene: KIZ (kizuna centrosomal protein; plus strand). Cytogenetic location: 20p11.23.
Variant type: single nucleotide variant.
Coding change: c.555C>G on transcript NM_018474.6 (MANE Select); coding-DNA position 555, C replaced by G.
Protein change: p.Asn185Lys; replaces asparagine 185 with lysine.
Molecular consequence: missense variant.
Genome position (GRCh38, 1-based): chr20:21,162,020, C>G. VCF-style: chr20-21162020-C-G. GRCh37 (hg19) VCF-style: chr20-21142661-C-G.
Other names: c.246C>G, p.Asn82Lys (NM_001163022.3, NM_001352435.2); c.156C>G, p.Asn52Lys (NM_001163023.3); c.408C>G, p.Asn136Lys (NM_001276389.2); c.555C>G, p.Asn185Lys (NM_001352434.2); c.213C>G, p.Asn71Lys (NM_001352436.2); short protein forms N185K, N52K, N71K, N136K, N82K.
Identifiers: ClinVar variation 1522288 (VCV001522288.6), dbSNP rs1306832376, ClinGen allele CA408491795.
Genomic context (GRCh38, chr20:21,162,020, plus strand): 5'-AGCCATCTTAAGCATGAGAGATTTCAGTACAGAGCACAAATCTCCCCAGCCCACAAAGAA[C>G]TTTTCAATTCCTGACCCACATTCACACCGACAGACAGCCCAGAGCAGTAATGTGACAGAC-3'
Protein context (NP_060944.3, residues 175-195): TEHKSPQPTK[Asn185Lys]FSIPDPHSHR

ClinVar aggregate classification (germline): Uncertain significance (1 of 4 stars; one submission).

Allele frequency attached by ClinVar (database versions not stated): gnomAD 0.00001; TOPMed 0.00001.
gnomAD v4.1: 2 of 1,613,838 alleles (0.00012%); highest among the groups gnomAD compares: African/African-American, 0.0027%; no homozygotes.

Submission:

Labcorp Genetics (formerly Invitae), Labcorp
Classification: Uncertain significance. Last evaluated: 2022-07-12. Review status: criteria provided, single submitter. Criteria: Invitae Variant Classification Sherloc (09022015). Collection method: clinical testing. Allele origin: germline.
Comment: This sequence change replaces asparagine, which is neutral and polar, with lysine, which is basic and polar, at codon 185 of the KIZ protein (p.Asn185Lys). This variant is not present in population databases (gnomAD no frequency). This variant has not been reported in the literature in individuals affected with KIZ-related conditions. ClinVar contains an entry for this variant (Variation ID: 1522288). Experimental studies and prediction algorithms are not available or were not evaluated, and the functional significance of this variant is currently unknown. In summary, the available evidence is currently insufficient to determine the role of this variant in disease. Therefore, it has been classified as a Variant of Uncertain Significance.